The following is an entry in ClinVar:

ClinVar aggregate classification (germline): Likely benign. Review status: criteria provided, multiple submitters, no conflicts (2 of 4 stars). 3 submissions from 3 submitters: Likely benign (3). Last evaluated 2025-06-01.

Conditions:
Cardiovascular phenotype. Identifiers: MedGen CN230736.
RASopathy. Also called: rasopathies; Noonan spectrum disorder. Identifiers: Orphanet 536391, MedGen C5555857, MONDO:0021060.

Allele frequency attached by ClinVar (database versions not stated): gnomAD 0.00001; gnomAD exomes 0.00001; TOPMed 0.00001.
gnomAD v4.1: 19 of 1,613,846 alleles (0.0012%); highest among the groups gnomAD compares: African/African-American, 0.0027%; no homozygotes.

Submissions (3):

Labcorp Genetics (formerly Invitae), Labcorp
Classification: Likely benign for RASopathy. Last evaluated: 2025-06-01. Review status: criteria provided, single submitter. Criteria: Invitae Variant Classification Sherloc (09022015). Collection method: clinical testing. Allele origin: germline.

Ambry Genetics
Classification: Likely benign for Cardiovascular phenotype. Last evaluated: 2025-04-17. Review status: criteria provided, single submitter. Criteria: Ambry Variant Classification Scheme 2023. Collection method: clinical testing. Allele origin: germline.

CeGaT Center for Human Genetics Tuebingen
Classification: Likely benign. Last evaluated: 2023-01-01. Review status: criteria provided, single submitter. Criteria: CeGaT Center For Human Genetics Tuebingen Variant Classification Criteria Version 2. Collection method: clinical testing. Allele origin: germline. Affected: yes. Observed: 1 variant allele.
Comment: CBL: BP4, BP7

NM_005188.4(CBL):c.561G>A (p.Ala187=)

Gene: CBL (Cbl proto-oncogene; plus strand). Cytogenetic location: 11q23.3.
Variant type: single nucleotide variant.
Coding change: c.561G>A on transcript NM_005188.4 (MANE Select); coding-DNA position 561, G replaced by A.
Protein change: p.Ala187=; no amino-acid change (alanine 187 retained).
Molecular consequence: synonymous variant.
Genome position (GRCh38, 1-based): chr11:119,271,852, G>A. VCF-style: chr11-119271852-G-A. GRCh37 (hg19) VCF-style: chr11-119142562-G-A.
Other names: c.561G>A (NM_005188.2).
Identifiers: ClinVar variation 1980949 (VCV001980949.28), dbSNP rs1272874156, ClinGen allele CA477127438.